The following is an entry in ClinVar:

ClinVar aggregate classification (germline): Likely benign. Review status: criteria provided, multiple submitters, no conflicts (2 of 4 stars). 4 submissions from 4 submitters: Likely benign (4). Last evaluated 2025-06-18.

Conditions:
FUS-related disorder. Also called: FUS-related condition.
Inborn genetic diseases. Identifiers: MedGen C0950123, MeSH D030342.
Amyotrophic lateral sclerosis type 6. Also called: FUS-Related Amyotrophic Laterial Sclerosis; AMYOTROPHIC LATERAL SCLEROSIS 6 WITHOUT FRONTOTEMPORAL DEMENTIA; Amyotrophic lateral sclerosis 6, with or without frontotemporal dementia. Identifiers: Orphanet 275872, Orphanet 803, MedGen C2931786, MONDO:0011951, OMIM 608030.
Tremor, hereditary essential, 4 (ETM4). Identifiers: MedGen C3539195, MONDO:0013888, OMIM 614782.

Allele frequency attached by ClinVar (database versions not stated): ExAC 0.00001; gnomAD 0.00007 and 0.00008; gnomAD exomes 0.00008 and 0.00009; TOPMed 0.00024.
gnomAD v4.1: 138 of 1,613,984 alleles (0.0086%); highest among the groups gnomAD compares: South Asian, 0.033%; no homozygotes.

Submissions (4):

PreventionGenetics, part of Exact Sciences
Classification: Likely benign for FUS-related condition. Last evaluated: 2025-06-18. Review status: criteria provided, single submitter. Criteria: ACMG Guidelines, 2015. Collection method: clinical testing. Allele origin: germline.
Comment: This variant is classified as likely benign based on ACMG/AMP sequence variant interpretation guidelines (Richards et al. 2015 PMID: 25741868, with internal and published modifications).

Labcorp Genetics (formerly Invitae), Labcorp
Classification: Likely benign for Tremor, hereditary essential, 4; Amyotrophic lateral sclerosis type 6. Last evaluated: 2024-07-01. Review status: criteria provided, single submitter. Criteria: Invitae Variant Classification Sherloc (09022015). Collection method: clinical testing. Allele origin: germline.

CeGaT Center for Human Genetics Tuebingen
Classification: Likely benign. Last evaluated: 2022-10-01. Review status: criteria provided, single submitter. Criteria: CeGaT Center For Human Genetics Tuebingen Variant Classification Criteria Version 2. Collection method: clinical testing. Allele origin: germline. Affected: yes. Observed: 1 variant allele.
Comment: FUS: BP4, BP7

Ambry Genetics
Classification: Likely benign for Inborn genetic diseases. Last evaluated: 2022-04-19. Review status: criteria provided, single submitter. Criteria: Ambry Variant Classification Scheme 2023. Collection method: clinical testing. Allele origin: germline.

NM_004960.4(FUS):c.339C>T (p.Tyr113=)

Gene: FUS (FUS DNA/RNA binding protein; plus strand). Cytogenetic location: 16p11.2.
Variant type: single nucleotide variant.
Coding change: c.339C>T on transcript NM_004960.4 (MANE Select); coding-DNA position 339, C replaced by T.
Protein change: p.Tyr113=; no amino-acid change (tyrosine 113 retained).
Molecular consequence: synonymous variant. On other transcripts: non-coding transcript variant (1).
Genome position (GRCh38, 1-based): chr16:31,184,212, C>T. VCF-style: chr16-31184212-C-T. GRCh37 (hg19) VCF-style: chr16-31195533-C-T.
Other names: c.336C>T, p.Tyr112= (NM_001170634.1); c.339C>T, p.Tyr113= (NM_001170937.1).
Identifiers: ClinVar variation 784771 (VCV000784771.34), dbSNP rs770345118, ClinGen allele CA8023602.